The following is an entry in ClinVar:

ClinVar aggregate classification (germline): Uncertain significance (1 of 4 stars; one submission).

Conditions:
Familial adenomatous polyposis 1 (FAP1). Also called: FAMILIAL ADENOMATOUS POLYPOSIS 1, ATTENUATED; POLYPOSIS, ADENOMATOUS INTESTINAL. Identifiers: MedGen C2713442, MONDO:0021056, OMIM 175100. Disease mechanism: loss of function.

Submission:

Labcorp Genetics (formerly Invitae), Labcorp
Classification: Uncertain significance for Familial adenomatous polyposis 1. Last evaluated: 2024-10-23. Review status: criteria provided, single submitter. Criteria: Invitae Variant Classification Sherloc (09022015). Collection method: clinical testing. Allele origin: germline.
Comment: This variant occurs in a non-coding region of the APC gene. It does not change the encoded amino acid sequence of the APC protein. This variant is present in population databases (no rsID available, gnomAD 0.002%). This variant has not been reported in the literature in individuals affected with APC-related conditions. Experimental studies and prediction algorithms are not available or were not evaluated, and the functional significance of this variant is currently unknown. In summary, the available evidence is currently insufficient to determine the role of this variant in disease. Therefore, it has been classified as a Variant of Uncertain Significance.

NM_001127511.3(APC):c.-33A>T

Gene: APC (APC regulator of Wnt signaling pathway; plus strand). Cytogenetic location: 5q22.2.
Variant type: single nucleotide variant.
Coding change: c.-33A>T on transcript NM_001127511.3; 33 bases upstream of the start codon, A replaced by T.
Molecular consequence: 5 prime UTR variant. On other transcripts: non-coding transcript variant (1), intron variant (5).
Genome position (GRCh38, 1-based): chr5:112,707,685, A>T. VCF-style: chr5-112707685-A-T. GRCh37 (hg19) VCF-style: chr5-112043382-A-T.
Other names: c.-216A>T (NM_001354895.2, NM_001407447.1, NM_001407452.1 and 3 more transcripts); c.-33A>T (NM_001354897.2, NM_001354902.2, NM_001407446.1); c.-1251A>T (NM_001407470.1, NM_001407472.1); c.-19+36A>T (NM_001407448.1, NM_001407450.1, NM_001407457.1 and 1 more transcripts); c.-43+36A>T (NM_001407453.1).
Identifiers: ClinVar variation 1041142 (VCV001041142.9), dbSNP rs758576717, ClinGen allele CA561890267.